The following is an entry in ClinVar:

ClinVar aggregate classification (germline): Uncertain significance. Review status: criteria provided, multiple submitters, no conflicts (2 of 4 stars). 2 submissions from 2 submitters: Uncertain significance (2). Last evaluated 2025-03-15.

Allele frequency attached by ClinVar (database versions not stated): TOPMed below 0.00001; ExAC 0.00001; gnomAD exomes below 0.00001 and 0.00001; gnomAD 0.00001.
gnomAD v4.1: 4 of 1,613,802 alleles (0.00025%); highest among the groups gnomAD compares: East Asian, 0.0022%; no homozygotes.

Submissions (2):

GeneDx
Classification: Uncertain significance. Last evaluated: 2025-03-15. Review status: criteria provided, single submitter. Criteria: GeneDx Variant Classification Process June 2021. Collection method: clinical testing. Allele origin: germline. Affected: yes.
Comment: Not observed at significant frequency in large population cohorts (gnomAD); In silico analysis indicates that this missense variant does not alter protein structure/function; Has not been previously published as pathogenic or benign to our knowledge; This variant is associated with the following publications: (PMID: 21520338, 31554319, 9590290)

Laboratory for Molecular Medicine, Mass General Brigham Personalized Medicine
Classification: Uncertain significance. Last evaluated: 2016-03-29. Review status: criteria provided, single submitter. Criteria: LMM Criteria. Collection method: clinical testing. Allele origin: germline. Observed: 2 variant alleles.
Comment: The p.Gly196Ser variant in TECTA has not been previously reported in individuals with hearing loss, but has been identified in 1/66312 European chromosomes by t he Exome Aggregation Consortium (ExAC; dbSNP rs7 51960882). Computational prediction tools and conservation analyses suggest that the p.Gly196Ser variant may impact the protein, though this information is not predictive enough to determine pathogenicity. In summary, the clinical significa nce of the p.Gly196Ser variant is uncertain.

NM_005422.4(TECTA):c.586G>A (p.Gly196Ser)

Genes: TBCEL-TECTA (TBCEL-TECTA readthrough; plus strand), TECTA (tectorin alpha; plus strand). Cytogenetic location: 11q23.3.
Variant type: single nucleotide variant.
Coding change: c.586G>A on transcript NM_005422.4 (MANE Select); coding-DNA position 586, G replaced by A.
Protein change: p.Gly196Ser; replaces glycine 196 with serine.
Molecular consequence: missense variant.
Genome position (GRCh38, 1-based): chr11:121,113,171, G>A. VCF-style: chr11-121113171-G-A. GRCh37 (hg19) VCF-style: chr11-120983880-G-A.
Other names: c.1543G>A, p.Gly515Ser (NM_001378761.1); short protein forms G196S, G515S.
Identifiers: ClinVar variation 229306 (VCV000229306.6), dbSNP rs751960882, ClinGen allele CA6326534.